The following is an entry in ClinVar:

ClinVar aggregate classification (germline): Uncertain significance (1 of 4 stars; one submission).

Submission:

Women's Health and Genetics/Laboratory Corporation of America, LabCorp
Classification: Uncertain significance. Last evaluated: 2024-04-12. Review status: criteria provided, single submitter. Criteria: LabCorp Variant Classification Summary - May 2015. Collection method: clinical testing. Allele origin: germline.
Comment: Variant summary: RAF1 c.1864_1872delGAGCCATCC (p.Glu622_Ser624del) results in an in-frame deletion that is predicted to remove three amino acids from the encoded protein. The variant was absent in 251328 control chromosomes. The available data on variant occurrences in the general population are insufficient to allow any conclusion about variant significance. To our knowledge, no occurrence of c.1864_1872delGAGCCATCC in individuals affected with Noonan Syndrome And Related Conditions and no experimental evidence demonstrating its impact on protein function have been reported. No submitters have cited clinical-significance assessments for this variant to ClinVar. Based on the evidence outlined above, the variant was classified as uncertain significance.

NM_002880.4(RAF1):c.1864_1872del (p.Glu622_Ser624del)

Gene: RAF1 (Raf-1 proto-oncogene, serine/threonine kinase; minus strand). Cytogenetic location: 3p25.2.
Variant type: Deletion.
Coding change: c.1864_1872del on transcript NM_002880.4 (MANE Select); coding-DNA positions 1864 to 1872, 9 bases deleted (GAGCCATCC; older notation c.1864_1872delGAGCCATCC).
Protein change: p.Glu622_Ser624del.
Molecular consequence: inframe deletion. On other transcripts: non-coding transcript variant (3).
Genome position (GRCh38, 1-based): chr3:12,584,589-12,584,597, GGATGGCTC deleted on the plus strand (GAGCCATCC on the coding strand, the reverse complement: RAF1 is on the minus strand); deleting any 9 consecutive bases within chr3:12,584,589-12,584,600 gives the same sequence; the c. name uses the placement nearest the transcript's 3' end. VCF-style (leftmost placement, unchanged base first): chr3-12584588-AGGATGGCTC-A. GRCh37 (hg19) VCF-style: chr3-12626087-AGGATGGCTC-A.
Other names: c.1924_1932del, p.Glu642_Ser644del (NM_001354689.3); c.1864_1872del, p.Glu622_Ser624del (NM_001354690.3); c.1621_1629del, p.Glu541_Ser543del (NM_001354691.3, NM_001354692.3); c.1765_1773del, p.Glu589_Ser591del (NM_001354693.3); c.1681_1689del, p.Glu561_Ser563del (NM_001354694.3); c.1522_1530del, p.Glu508_Ser510del (NM_001354695.3); c.1864_1872delGAGCCATCC (NM_002880.4).
Identifiers: ClinVar variation 3251319 (VCV003251319.1), dbSNP rs2470170166.
Genomic context (GRCh38, chr3:12,584,588, plus strand): 5'-GCCTCGGGGACGTGGTCAGCGTGCAAGCATTGATATCCTCAGTGTGGGCTGCCCGATGCA[AGGATGGCTC>A]GGAAGCGCTCCGGTTGATCTTCGGTAGAGAGTGTTGGAGCAGCTCAATGGAAGACAGGAT-3'